The following is an entry in ClinVar:

ClinVar aggregate classification (germline): Likely pathogenic (1 of 4 stars; one submission).

Conditions:
Focal segmental glomerulosclerosis 5 (FSGS5). Identifiers: Orphanet 656, MedGen C2750475, MONDO:0013191, OMIM 613237.

Submission:

Molecular Lab, University of Sulaimaniyah
Classification: Likely pathogenic for Focal segmental glomerulosclerosis 5. Last evaluated: 2026-04-06. Review status: criteria provided, single submitter. Criteria: ACMG Guidelines, 2015. Collection method: research. Allele origin: germline. Inheritance: Autosomal dominant inheritance. Affected: yes. Observed: 1 variant allele, 10 homozygotes. Clinical features observed: Biopsy-proven focal segmental glomerulosclerosis.
Comment: This variant was classified using the ACMG/AMP 2015 framework (PMID:25741868). PVS1 was applied because INF2 c.3724_3725insA is predicted to cause a frameshift and premature termination. PM2 was considered because the variant is absent or rare in population databases. PP4 was used as supporting case-level evidence because the variant was observed in an affected individual from a biopsy-proven focal segmental glomerulosclerosis cohort. As internal case-level support, the variant was observed in 1 affected individual(s) among 35 individuals tested, including 1 single heterozygote. No functional assay evidence is submitted. Overall, the submitted evidence supported a Likely pathogenic classification.

NM_022489.4(INF2):c.3724dup (p.Thr1242fs)

Gene: INF2 (inverted formin 2; plus strand). Cytogenetic location: 14q32.33.
Variant type: Duplication.
Coding change: c.3724dup on transcript NM_022489.4 (MANE Select); coding-DNA position 3724, one base duplicated (A; older notation c.3724dupA).
Protein change: p.Thr1242fs; shifts the reading frame from threonine 1242.
Molecular consequence: frameshift variant. On other transcripts: non-coding transcript variant (1), intron variant (3).
Genome position (GRCh38, 1-based): chr14:104,715,313, A duplicated; the last of 4 consecutive A bases (chr14:104,715,310-104,715,313); duplicating any one gives the same sequence. VCF-style (leftmost placement, unchanged base first): chr14-104715309-T-TA. GRCh37 (hg19) VCF-style: chr14-105181646-T-TA.
Other names: c.3724_3725insA (NM_022489.4); c.3724dup, p.Thr1242fs (NM_001426863.1, NM_001426864.1); c.3694+457dup (NM_001426865.1, NM_001426862.1, NM_001031714.4); short protein forms T1242fs.
Identifiers: ClinVar variation 4856416 (VCV004856416.1).